The following is an entry in ClinVar:

ClinVar aggregate classification (germline): Uncertain significance (1 of 4 stars; one submission).

Allele frequency attached by ClinVar (database versions not stated): gnomAD exomes 0.00001.

Submission:

GeneDx
Classification: Uncertain significance. Last evaluated: 2017-05-15. Review status: criteria provided, single submitter. Criteria: GeneDx Variant Classification (06012015). Collection method: clinical testing. Allele origin: germline. Affected: yes.
Comment: The c.134-6C>G variant in the EIF2S3 gene has not been reported previously as a pathogenic variant nor as a benign variant, to our knowledge. This variant is predicted to damage the natural splice acceptor site in intron 2, which may cause abnormal gene splicing. However, in the absence of RNA/functional studies, the actual effect of c.134-6C>G in this individual is unknown. The c.134-6C>G variant is not observed in large population cohorts (Lek et al., 2016; 1000 Genomes Consortium et al., 2015; Exome Variant Server). We interpret c.134-6C>G as a variant of uncertain significance.

NM_001415.4(EIF2S3):c.134-6C>G

Gene: EIF2S3 (eukaryotic translation initiation factor 2 subunit gamma; plus strand). Cytogenetic location: Xp22.11.
Variant type: single nucleotide variant.
Coding change: c.134-6C>G on transcript NM_001415.4 (MANE Select); 6 bases into the intron before coding-DNA position 134, C replaced by G.
Molecular consequence: intron variant.
Genome position (GRCh38, 1-based): chrX:24,057,415, C>G. VCF-style: chrX-24057415-C-G. GRCh37 (hg19) VCF-style: chrX-24075532-C-G.
Identifiers: ClinVar variation 449956 (VCV000449956.2), dbSNP rs972456777, ClinGen allele CA327680563.